The following is an entry in ClinVar:

NM_001371727.1(GABRB2):c.77+16G>T

Gene: GABRB2 (gamma-aminobutyric acid type A receptor subunit beta2; minus strand). Cytogenetic location: 5q34.
Variant type: single nucleotide variant.
Coding change: c.77+16G>T on transcript NM_001371727.1 (MANE Select); 16 bases into the intron after coding-DNA position 77, G replaced by T.
Molecular consequence: intron variant.
Genome position (GRCh38, 1-based): chr5:161,546,551, C>A on the plus strand (G>T on the coding strand, the complement: GABRB2 is on the minus strand). VCF-style: chr5-161546551-C-A. GRCh37 (hg19) VCF-style: chr5-160973557-C-A.
Other names: c.77+16G>T (NM_000813.3, NM_021911.3).
Identifiers: ClinVar variation 509361 (VCV000509361.10), dbSNP rs778830538, ClinGen allele CA3543685.

ClinVar aggregate classification (germline): Benign/Likely benign. Review status: criteria provided, multiple submitters, no conflicts (2 of 4 stars). 3 submissions from 3 submitters: Benign (1); Likely benign (2). Last evaluated 2025-11-26.

Conditions:
Intellectual disability. Also called: Intellectual developmental disorder; intellectual disabilities; Intellectual functioning disability. Identifiers: MedGen C3714756, MeSH D008607, MONDO:0001071, HP:0001249.

Allele frequency attached by ClinVar (database versions not stated): TOPMed 0.00003; gnomAD 0.00009 and 0.00001; gnomAD exomes 0.00015 and 0.00034; ExAC 0.00082.
gnomAD v4.1: 224 of 1,590,172 alleles (0.014%); highest among the groups gnomAD compares: South Asian, 0.24%; 1 homozygote.

Submissions (3):

Labcorp Genetics (formerly Invitae), Labcorp
Classification: Benign for Intellectual disability. Last evaluated: 2025-11-26. Review status: criteria provided, single submitter. Criteria: Invitae Variant Classification Sherloc (09022015). Collection method: clinical testing. Allele origin: germline.

Blueprint Genetics
Classification: Likely benign. Last evaluated: 2022-12-16. Review status: criteria provided, single submitter. Criteria: ACMG Guidelines, 2015. Collection method: clinical testing. Allele origin: germline.

GeneDx
Classification: Likely benign. Last evaluated: 2017-05-03. Review status: criteria provided, single submitter. Criteria: GeneDx Variant Classification (06012015). Collection method: clinical testing. Allele origin: germline. Affected: yes.
Comment: This variant is considered likely benign or benign based on one or more of the following criteria: it is a conservative change, it occurs at a poorly conserved position in the protein, it is predicted to be benign by multiple in silico algorithms, and/or has population frequency not consistent with disease.